The following is an entry in ClinVar:

ClinVar aggregate classification (germline): Uncertain significance (1 of 4 stars; one submission).

gnomAD v4.1: 1 of 1,614,040 alleles (0.000062%); highest among the groups gnomAD compares: African/African-American, 0.0013%; no homozygotes.

Submission:

Labcorp Genetics (formerly Invitae), Labcorp
Classification: Uncertain significance. Last evaluated: 2024-08-20. Review status: criteria provided, single submitter. Criteria: Invitae Variant Classification Sherloc (09022015). Collection method: clinical testing. Allele origin: germline.
Comment: This sequence change replaces valine, which is neutral and non-polar, with isoleucine, which is neutral and non-polar, at codon 236 of the TOPORS protein (p.Val236Ile). This variant is not present in population databases (gnomAD no frequency). This variant has not been reported in the literature in individuals affected with TOPORS-related conditions. An algorithm developed to predict the effect of missense changes on protein structure and function outputs the following: PolyPhen-2: "Benign". The isoleucine amino acid residue is found in multiple mammalian species, which suggests that this missense change does not adversely affect protein function. In summary, the available evidence is currently insufficient to determine the role of this variant in disease. Therefore, it has been classified as a Variant of Uncertain Significance.

NM_005802.5(TOPORS):c.706G>A (p.Val236Ile)

Gene: TOPORS (TOP1 binding arginine/serine rich protein, E3 ubiquitin ligase; minus strand). Cytogenetic location: 9p21.1.
Variant type: single nucleotide variant.
Coding change: c.706G>A on transcript NM_005802.5 (MANE Select); coding-DNA position 706, G replaced by A.
Protein change: p.Val236Ile; replaces valine 236 with isoleucine.
Molecular consequence: missense variant.
Genome position (GRCh38, 1-based): chr9:32,543,819, C>T on the plus strand (G>A on the coding strand, the complement: TOPORS is on the minus strand). VCF-style: chr9-32543819-C-T. GRCh37 (hg19) VCF-style: chr9-32543817-C-T.
Other names: c.511G>A, p.Val171Ile (NM_001195622.2); short protein forms V171I, V236I.
Identifiers: ClinVar variation 3663061 (VCV003663061.2).
Genomic context (GRCh38, chr9:32,543,819, plus strand): 5'-TAATATCTTGTTCTTGAATTTTCCGCAAAGATCTTTCATCTGCCGTAGTTGGCCTCCTTA[C>T]TGCAATCTGTCTCATAAACTGAGGAATTTCAACATCTCTAGGTCTTGTTGAAATGCCTAA-3'
Protein context (NP_005793.2, residues 226-246): EIPQFMRQIA[Val236Ile]RRPTTADERS